The following is an entry in ClinVar:

NM_001370259.2(MEN1):c.1403A>G (p.Glu468Gly)

Gene: MEN1 (menin 1; minus strand). Cytogenetic location: 11q13.1.
Variant type: single nucleotide variant.
Coding change: c.1403A>G on transcript NM_001370259.2 (MANE Select); coding-DNA position 1403, A replaced by G.
Protein change: p.Glu468Gly; replaces glutamic acid 468 with glycine.
Molecular consequence: missense variant.
Genome position (GRCh38, 1-based): chr11:64,804,764, T>C on the plus strand (A>G on the coding strand, the complement: MEN1 is on the minus strand). VCF-style: chr11-64804764-T-C. GRCh37 (hg19) VCF-style: chr11-64572236-T-C.
Other names: c.1418A>G, p.Glu473Gly (NM_000244.4, NM_130800.3, NM_130801.3 and 3 more transcripts); c.1529A>G, p.Glu510Gly (NM_001370251.2); c.1403A>G, p.Glu468Gly (NM_001370260.2, NM_001370261.2, NM_130799.3); c.1298A>G, p.Glu433Gly (NM_001370262.2, NM_001370263.2); short protein forms E510G, E433G, E468G, E473G.
Identifiers: ClinVar variation 1396144 (VCV001396144.8), dbSNP rs2136091899, ClinGen allele CA381179617.

ClinVar aggregate classification (germline): Uncertain significance (1 of 4 stars; one submission).

Conditions:
Multiple endocrine neoplasia, type 1 (MEN1). Also called: MEN I; WERMER SYNDROME; Endocrine adenomatosis multiple; MEN 1; MEA I. Identifiers: Orphanet 652, MedGen C0025267, MeSH D018761, MONDO:0007540, OMIM 131100.

Submission:

Labcorp Genetics (formerly Invitae), Labcorp
Classification: Uncertain significance for Multiple endocrine neoplasia, type 1. Last evaluated: 2021-05-18. Review status: criteria provided, single submitter. Criteria: Invitae Variant Classification Sherloc (09022015). Collection method: clinical testing. Allele origin: germline.
Comment: This sequence change replaces glutamic acid with glycine at codon 468 of the MEN1 protein (p.Glu468Gly). The glutamic acid residue is moderately conserved and there is a moderate physicochemical difference between glutamic acid and glycine. This variant is not present in population databases (ExAC no frequency). This variant has not been reported in the literature in individuals with MEN1-related conditions. Algorithms developed to predict the effect of missense changes on protein structure and function are either unavailable or do not agree on the potential impact of this missense change (SIFT: "Deleterious"; PolyPhen-2: "Benign"; Align-GVGD: "Class C0"). In summary, the available evidence is currently insufficient to determine the role of this variant in disease. Therefore, it has been classified as a Variant of Uncertain Significance.